The following is an entry in ClinVar:

NM_000432.4(MYL2):c.4G>A (p.Ala2Thr)

Genes: MYL2 (myosin light chain 2; minus strand), LOC114827850 (VISTA enhancer hs2149; plus strand). Cytogenetic location: 12q24.11.
Variant type: single nucleotide variant.
Coding change: c.4G>A on transcript NM_000432.4 (MANE Select); coding-DNA position 4, G replaced by A.
Protein change: p.Ala2Thr; replaces alanine 2 with threonine.
Molecular consequence: missense variant.
Genome position (GRCh38, 1-based): chr12:110,919,193, C>T on the plus strand (G>A on the coding strand, the complement: MYL2 is on the minus strand). VCF-style: chr12-110919193-C-T. GRCh37 (hg19) VCF-style: chr12-111356997-C-T.
Other names: short protein forms A2T.
Identifiers: ClinVar variation 403211 (VCV000403211.15), dbSNP rs1060499882, ClinGen allele CA16609759.

ClinVar aggregate classification (germline): Uncertain significance. Review status: criteria provided, multiple submitters, no conflicts (2 of 4 stars). 4 submissions from 4 submitters: Uncertain significance (4). Last evaluated 2023-10-30.

Conditions:
Cardiovascular phenotype. Identifiers: MedGen CN230736.
Hypertrophic cardiomyopathy 10. Also called: MYL2-Related Familial Hypertrophic Cardiomyopathy; CARDIOMYOPATHY, HYPERTROPHIC, MID-LEFT VENTRICULAR CHAMBER TYPE, 2. Identifiers: MedGen C1834460, MONDO:0012112, OMIM 608758.
Hypertrophic cardiomyopathy. Also called: HYPERTROPHIC MYOCARDIOPATHY. Identifiers: Orphanet 217569, MedGen C0007194, MeSH D002312, MONDO:0005045, HP:0001639.

Allele frequency attached by ClinVar (database versions not stated): TOPMed 0.00001.

Submissions (4):

All of Us Research Program, National Institutes of Health
Classification: Uncertain significance for Hypertrophic cardiomyopathy. Last evaluated: 2023-10-30. Review status: criteria provided, single submitter. Criteria: ACMG Guidelines, 2015. Collection method: clinical testing. Allele origin: germline. Inheritance: Autosomal dominant inheritance. Observed: 1 variant allele, 1 heterozygote.
Comment: This study involves interpretation of variants in research participants for the purpose of population health screening. Participant phenotype was not available at the time of variant classification. Additional details can be found in publication PMID: 35346344, PMCID: PMC8962531

Labcorp Genetics (formerly Invitae), Labcorp
Classification: Uncertain significance for Hypertrophic cardiomyopathy 10. Last evaluated: 2023-10-13. Review status: criteria provided, single submitter. Criteria: Invitae Variant Classification Sherloc (09022015). Collection method: clinical testing. Allele origin: germline.
Comment: This sequence change replaces alanine, which is neutral and non-polar, with threonine, which is neutral and polar, at codon 2 of the MYL2 protein (p.Ala2Thr). This variant is present in population databases (no rsID available, gnomAD 0.0009%). This missense change has been observed in individual(s) with hypertrophic cardiomyopathy (HCM) (PMID: 25132132). ClinVar contains an entry for this variant (Variation ID: 403211). An algorithm developed to predict the effect of missense changes on protein structure and function (PolyPhen-2) suggests that this variant¬†is likely to be tolerated. In summary, the available evidence is currently insufficient to determine the role of this variant in disease. Therefore, it has been classified as a Variant of Uncertain Significance.

Laboratory for Molecular Medicine, Mass General Brigham Personalized Medicine
Classification: Uncertain significance. Last evaluated: 2016-12-16. Review status: criteria provided, single submitter. Criteria: LMM Criteria. Collection method: clinical testing. Allele origin: germline.
Comment: Variant identified in a genome or exome case(s) and assessed due to predicted null impact of the variant or pathogenic assertions in the literature or databases. Disclaimer: This variant has not undergone full assessment. It is not present in ExAC or ClinVar but is present in 1 European allele (0.0009%)in gnomAD. This AA is not conserved but no species have a Thr at this position.

Ambry Genetics
Classification: Uncertain significance for Cardiovascular phenotype. Last evaluated: 2016-09-26. Review status: criteria provided, single submitter. Criteria: Ambry Variant Classification Scheme 2023. Collection method: clinical testing. Allele origin: germline.
Comment: The p.A2T variant (also known as c.4G>A) is located in coding exon 2 of the MYL2 gene. The alanine at codon 2 is replaced by threonine, an amino acid with similar properties. This change occurs in the first base pair of coding exon 2. This alteration was reported in one patient with hypertrophic cardiomyopathy; however, limited clinical details were provided (Wang J et al. Eur. J. Heart Fail., 2014 Sep;16:950-7). This variant was not reported in population based cohorts in the following databases: Database of Single Nucleotide Polymorphisms (dbSNP), NHLBI Exome Sequencing Project (ESP), and 1000 Genomes Project. In the ESP, this variant was not observed in 6502 samples (13004 alleles) with coverage at this position. This amino acid position is not well conserved in available vertebrate species. In addition, this alteration is predicted to be tolerated by in silico analysis. Since supporting evidence is limited at this time, the clinical significance of this alteration remains unclear.

Literature cited by the submitters: PubMed 25132132 (cited by Labcorp Genetics (formerly Invitae), Labcorp and Ambry Genetics).